The following is an entry in ClinVar:

NM_001035.3(RYR2):c.11776-5T>C

Gene: RYR2 (ryanodine receptor 2; plus strand). Cytogenetic location: 1q43.
Variant type: single nucleotide variant.
Coding change: c.11776-5T>C on transcript NM_001035.3 (MANE Select); 5 bases into the intron before coding-DNA position 11776, T replaced by C.
Molecular consequence: intron variant.
Genome position (GRCh38, 1-based): chr1:237,778,661, T>C. VCF-style: chr1-237778661-T-C. GRCh37 (hg19) VCF-style: chr1-237941961-T-C.
Identifiers: ClinVar variation 2568255 (VCV002568255.2), dbSNP rs2527696928, ClinGen allele CA2580611247.

ClinVar aggregate classification (germline): Uncertain significance (1 of 4 stars; one submission).

Conditions:
Cardiovascular phenotype. Identifiers: MedGen CN230736.

Submission:

Ambry Genetics
Classification: Uncertain significance for Cardiovascular phenotype. Last evaluated: 2023-03-27. Review status: criteria provided, single submitter. Criteria: Ambry Variant Classification Scheme 2023. Collection method: clinical testing. Allele origin: germline.
Comment: The c.11776-5T>C intronic variant results from a T to C substitution 5 nucleotides upstream from coding exon 88 in the RYR2 gene. This nucleotide position is not well conserved in available vertebrate species. In silico splice site analysis predicts that this alteration will not have any significant effect on splicing. Since supporting evidence is limited at this time, the clinical significance of this alteration remains unclear.